The following is an entry in ClinVar:

ClinVar aggregate classification (germline): Conflicting classifications of pathogenicity. Review status: criteria provided, conflicting classifications (1 of 4 stars). 3 submissions from 3 submitters: Likely pathogenic (1); Uncertain significance (1). 1 of the submissions does not count toward it. Last evaluated 2021-09-01.

Conditions:
Neurodevelopmental disorder with cerebellar atrophy and with or without seizures. Identifiers: MedGen C4748032, MONDO:0020841, OMIM 618056.
Neonatal-onset encephalopathy with rigidity and seizures. Also called: Lethal neonatal spasticity-epileptic encephalopathy syndrome. Identifiers: Orphanet 435845, MedGen C3281029, MONDO:0013784, OMIM 614498.

Allele frequency attached by ClinVar (database versions not stated): gnomAD exomes 0.00001 and below 0.00001; gnomAD 0.00001.
gnomAD v4.1: 10 of 1,598,334 alleles (0.00063%); highest among the groups gnomAD compares: Non-Finnish European, 0.00076%; no homozygotes.

Submissions (3):

Labcorp Genetics (formerly Invitae), Labcorp
Classification: Uncertain significance for Neonatal-onset encephalopathy with rigidity and seizures. Last evaluated: 2021-09-01. Review status: criteria provided, single submitter. Criteria: Invitae Variant Classification Sherloc (09022015). Collection method: clinical testing. Allele origin: germline.

GeneDx
Classification: Likely pathogenic. Last evaluated: 2016-01-04. Review status: criteria provided, single submitter. Criteria: GeneDx Variant Classification (06012015). Collection method: clinical testing. Allele origin: germline. Affected: yes.
Comment: The R609W variant was not observed in approximately 6400 individuals of European and African American ancestry in the NHLBI Exome Sequencing Project, indicating it is not a common benign variant in these populations. The R609W variant is a non-conservative amino acid substitution, which is likely to impact secondary protein structure as these residues differ in polarity, charge, size and/or other properties. This substitution occurs at a position that is conserved across species. In silico analysis predicts this variant is probably damaging to the protein structure/function. The R609W variant is a strong candidate for a pathogenic variant, however the possibility it may be a rare benign variant cannot be excluded.

OMIM
Classification: Pathogenic for NEURODEVELOPMENTAL DISORDER WITH CEREBELLAR ATROPHY AND SEIZURES. Last evaluated: 2018-08-02. Review status: no assertion criteria provided. Collection method: literature only. Allele origin: germline. Not counted in ClinVar's aggregate classification.

Literature cited by the submitters: PubMed 26483087 (cited by OMIM).

NM_152743.4(BRAT1):c.1825C>T (p.Arg609Trp)

Gene: BRAT1 (BRCA1 associated ATM activator 1; minus strand). Cytogenetic location: 7p22.3.
Variant type: single nucleotide variant.
Coding change: c.1825C>T on transcript NM_152743.4 (MANE Select); coding-DNA position 1825, C replaced by T.
Protein change: p.Arg609Trp; replaces arginine 609 with tryptophan.
Molecular consequence: missense variant. On other transcripts: non-coding transcript variant (1).
Genome position (GRCh38, 1-based): chr7:2,538,710, G>A on the plus strand (C>T on the coding strand, the complement: BRAT1 is on the minus strand). VCF-style: chr7-2538710-G-A. GRCh37 (hg19) VCF-style: chr7-2578344-G-A.
Other names: c.2005C>T, p.Arg669Trp (NM_001350626.2); c.1300C>T, p.Arg434Trp (NM_001350627.2); short protein forms R609W, R434W, R669W.
Identifiers: ClinVar variation 265048 (VCV000265048.5), dbSNP rs886039312, ClinGen allele CA10588424.